The following is an entry in ClinVar:

ClinVar aggregate classification (germline): Benign (0 of 4 stars; one submission).

Conditions:
PIWIL1-related disorder. Also called: PIWIL1-related condition.

Allele frequency attached by ClinVar (database versions not stated): gnomAD exomes 0.00063; ExAC 0.00184; gnomAD 0.00523; TOPMed 0.00579; 1000 Genomes Project 30x 0.00609; 1000 Genomes Project 0.00639; ESP Exome Variant Server 0.00654.
gnomAD v4.1: 1,767 of 1,614,004 alleles (0.11%); highest among the groups gnomAD compares: African/African-American, 1.8%; 13 homozygotes.

Submission:

PreventionGenetics, part of Exact Sciences
Classification: Benign for PIWIL1-related condition. Last evaluated: 2019-07-16. Review status: no assertion criteria provided. Collection method: clinical testing. Allele origin: germline.
Comment: This variant is classified as benign based on ACMG/AMP sequence variant interpretation guidelines (Richards et al. 2015 PMID: 25741868, with internal and published modifications).

NM_004764.5(PIWIL1):c.1779A>G (p.Lys593=)

Gene: PIWIL1 (piwi like RNA-mediated gene silencing 1; plus strand). Cytogenetic location: 12q24.33.
Variant type: single nucleotide variant.
Coding change: c.1779A>G on transcript NM_004764.5 (MANE Select); coding-DNA position 1779, A replaced by G.
Protein change: p.Lys593=; no amino-acid change (lysine 593 retained).
Molecular consequence: synonymous variant.
Genome position (GRCh38, 1-based): chr12:130,361,293, A>G. VCF-style: chr12-130361293-A-G. GRCh37 (hg19) VCF-style: chr12-130845838-A-G.
Other names: c.1779A>G, p.Lys593= (NM_001190971.2).
Identifiers: ClinVar variation 3056217 (VCV003056217.2), dbSNP rs138228908, ClinGen allele CA6877339.